The following is an entry in ClinVar:

NM_022168.4(IFIH1):c.997A>G (p.Ser333Gly)

Gene: IFIH1 (interferon induced with helicase C domain 1; minus strand). Cytogenetic location: 2q24.2.
Variant type: single nucleotide variant.
Coding change: c.997A>G on transcript NM_022168.4 (MANE Select); coding-DNA position 997, A replaced by G.
Protein change: p.Ser333Gly; replaces serine 333 with glycine.
Molecular consequence: missense variant.
Genome position (GRCh38, 1-based): chr2:162,288,233, T>C on the plus strand (A>G on the coding strand, the complement: IFIH1 is on the minus strand). VCF-style: chr2-162288233-T-C. GRCh37 (hg19) VCF-style: chr2-163144743-T-C.
Other names: short protein forms S333G.
Identifiers: ClinVar variation 2938406 (VCV002938406.3), dbSNP rs2468971374, ClinGen allele CA349004737.

ClinVar aggregate classification (germline): Uncertain significance (1 of 4 stars; one submission).

Conditions:
Singleton-Merten syndrome 1 (SGMRT1). Also called: Widened medullary cavities of bone, aortic calcification, abnormal dentition, and muscular weakness; Syndrome of widened medullary cavities of the metacarpals and phalanges, aortic calcification and abnormal dentition. Identifiers: Orphanet 85191, MedGen C4225427, MONDO:0024535, OMIM 182250.
Aicardi-Goutieres syndrome 7 (AGS7). Identifiers: Orphanet 51, MedGen C3888244, MONDO:0014367, OMIM 615846.

Submission:

Labcorp Genetics (formerly Invitae), Labcorp
Classification: Uncertain significance for Aicardi-Goutieres syndrome 7; Singleton-Merten syndrome 1. Last evaluated: 2025-01-27. Review status: criteria provided, single submitter. Criteria: Invitae Variant Classification Sherloc (09022015). Collection method: clinical testing. Allele origin: germline.
Comment: This sequence change replaces serine, which is neutral and polar, with glycine, which is neutral and non-polar, at codon 333 of the IFIH1 protein (p.Ser333Gly). This variant is not present in population databases (gnomAD no frequency). This variant has not been reported in the literature in individuals affected with IFIH1-related conditions. ClinVar contains an entry for this variant (Variation ID: 2938406). Invitae Evidence Modeling of protein sequence and biophysical properties (such as structural, functional, and spatial information, amino acid conservation, physicochemical variation, residue mobility, and thermodynamic stability) has been performed for this missense variant. However, the output from this modeling did not meet the statistical confidence thresholds required to predict the impact of this variant on IFIH1 protein function. In summary, the available evidence is currently insufficient to determine the role of this variant in disease. Therefore, it has been classified as a Variant of Uncertain Significance.